The following is an entry in ClinVar:

NM_021224.6(ZNF462):c.1370A>C (p.His457Pro)

Gene: ZNF462 (zinc finger protein 462; plus strand). Cytogenetic location: 9q31.2.
Variant type: single nucleotide variant.
Coding change: c.1370A>C on transcript NM_021224.6 (MANE Select); coding-DNA position 1370, A replaced by C.
Protein change: p.His457Pro; replaces histidine 457 with proline.
Molecular consequence: missense variant.
Genome position (GRCh38, 1-based): chr9:106,925,282, A>C. VCF-style: chr9-106925282-A-C. GRCh37 (hg19) VCF-style: chr9-109687563-A-C.
Other names: c.1370A>C, p.His457Pro (NM_001347997.2); short protein forms H457P.
Identifiers: ClinVar variation 4984720 (VCV004984720.1).

ClinVar aggregate classification (germline): Uncertain significance (1 of 4 stars; one submission).

Conditions:
ZNF462-related disorder. Also called: ZNF462-related condition; ZNF462 related disease.

Submission:

PreventionGenetics, part of Exact Sciences
Classification: Uncertain significance for ZNF462-related condition. Last evaluated: 2026-01-20. Review status: criteria provided, single submitter. Criteria: ACMG Guidelines, 2015. Collection method: clinical testing. Allele origin: germline.
Comment: The ZNF462 c.1370A>C variant is predicted to result in the amino acid substitution p.His457Pro. To our knowledge, this variant has not been reported in the literature or in a large population database (gnomAD), indicating this variant is rare. At this time, the clinical significance of this variant is uncertain due to the absence of conclusive functional and genetic evidence.